The following is an entry in ClinVar:

NM_018100.4(EFHC1):c.341A>G (p.Gln114Arg)

Gene: EFHC1 (EF-hand domain containing 1; plus strand). Cytogenetic location: 6p12.2.
Variant type: single nucleotide variant.
Coding change: c.341A>G on transcript NM_018100.4 (MANE Select); coding-DNA position 341, A replaced by G.
Protein change: p.Gln114Arg; replaces glutamine 114 with arginine.
Molecular consequence: missense variant. On other transcripts: non-coding transcript variant (1).
Genome position (GRCh38, 1-based): chr6:52,438,359, A>G. VCF-style: chr6-52438359-A-G. GRCh37 (hg19) VCF-style: chr6-52303157-A-G.
Other names: c.284A>G, p.Gln95Arg (NM_001172420.2); c.341A>G (NM_018100.3); short protein forms Q114R, Q95R.
Identifiers: ClinVar variation 1025272 (VCV001025272.11), dbSNP rs759050400, ClinGen allele CA3855728.

ClinVar aggregate classification (germline): Uncertain significance. Review status: criteria provided, multiple submitters, no conflicts (2 of 4 stars). 2 submissions from 2 submitters: Uncertain significance (2). Last evaluated 2022-07-19.

Conditions:
Absence seizure. Also called: Absence epilepsy. Identifiers: Orphanet 1941, MedGen C0014553.
Myoclonic epilepsy, juvenile, susceptibility to, 1. Also called: Myoclonic Epilepsy, Juvenile, 1; EJM1. Identifiers: MedGen C1850778, MONDO:0020752, OMIM 254770.

Allele frequency attached by ClinVar (database versions not stated): gnomAD 0.00001; TOPMed 0.00001; ExAC 0.00003; gnomAD exomes 0.00003 and 0.00004.
gnomAD v4.1: 65 of 1,613,768 alleles (0.004%); highest among the groups gnomAD compares: Middle Eastern, 0.016%; no homozygotes.

Submissions (2):

Labcorp Genetics (formerly Invitae), Labcorp
Classification: Uncertain significance for Myoclonic epilepsy, juvenile, susceptibility to, 1; Absence seizure. Last evaluated: 2022-07-19. Review status: criteria provided, single submitter. Criteria: Invitae Variant Classification Sherloc (09022015). Collection method: clinical testing. Allele origin: germline.
Comment: In summary, the available evidence is currently insufficient to determine the role of this variant in disease. Therefore, it has been classified as a Variant of Uncertain Significance. Algorithms developed to predict the effect of missense changes on protein structure and function (SIFT, PolyPhen-2, Align-GVGD) all suggest that this variant is likely to be tolerated. ClinVar contains an entry for this variant (Variation ID: 1025272). This variant has not been reported in the literature in individuals affected with EFHC1-related conditions. This variant is present in population databases (rs759050400, gnomAD 0.006%). This sequence change replaces glutamine, which is neutral and polar, with arginine, which is basic and polar, at codon 114 of the EFHC1 protein (p.Gln114Arg).

Ambry Genetics
Classification: Uncertain significance. Last evaluated: 2021-11-15. Review status: criteria provided, single submitter. Criteria: Ambry Variant Classification Scheme 2023. Collection method: clinical testing. Allele origin: germline.